The following is an entry in ClinVar:

NM_007192.4(SUPT16H):c.3013C>A (p.Arg1005Ser)

Genes: SUPT16H (SPT16 homolog, facilitates chromatin remodeling subunit; minus strand), LOC126861887 (BRD4-independent group 4 enhancer GRCh37_chr14:21820143-21821342; plus strand). Cytogenetic location: 14q11.2.
Variant type: single nucleotide variant.
Coding change: c.3013C>A on transcript NM_007192.4 (MANE Select); coding-DNA position 3013, C replaced by A.
Protein change: p.Arg1005Ser; replaces arginine 1005 with serine.
Molecular consequence: missense variant.
Genome position (GRCh38, 1-based): chr14:21,352,804, G>T on the plus strand (C>A on the coding strand, the complement: SUPT16H is on the minus strand). VCF-style: chr14-21352804-G-T. GRCh37 (hg19) VCF-style: chr14-21820963-G-T.
Other names: short protein forms R1005S.
Identifiers: ClinVar variation 4856892 (VCV004856892.2).

ClinVar aggregate classification (germline): Uncertain significance (1 of 4 stars; one submission).

Submission:

Dasa
Classification: Uncertain significance. Last evaluated: 2026-01-11. Review status: criteria provided, single submitter. Criteria: DASA Assertion Criteria. Collection method: clinical testing. Allele origin: germline.
Comment: NM_007192.4(SUPT16H):c.3013C>A (p.Arg1005Ser) is a missense variant that results in the substitution of arginine with serine. This variant is rare in population databases. Computational prediction algorithms are consistent with a benign effect. The currently available literature and clinical evidence are not sufficient to establish a definitive association between this variant and the reported condition. Therefore, this variant is classified as a variant of uncertain significance.